The following is an entry in ClinVar:

ClinVar aggregate classification (germline): Uncertain significance. Review status: criteria provided, multiple submitters, no conflicts (2 of 4 stars). 2 submissions from 2 submitters: Uncertain significance (2). Last evaluated 2026-04-16.

Conditions:
Familial adenomatous polyposis 1 (FAP1). Also called: FAMILIAL ADENOMATOUS POLYPOSIS 1, ATTENUATED; POLYPOSIS, ADENOMATOUS INTESTINAL. Identifiers: MedGen C2713442, MONDO:0021056, OMIM 175100. Disease mechanism: loss of function.
Hereditary cancer-predisposing syndrome. Also called: Hereditary neoplastic syndrome; Neoplastic Syndromes, Hereditary; Tumor predisposition; Hereditary Cancer Syndrome. Identifiers: Orphanet 140162, MedGen C0027672, MeSH D009386, MONDO:0015356.

Allele frequency attached by ClinVar (database versions not stated): gnomAD exomes below 0.00001.
gnomAD v4.1: 1 of 1,613,966 alleles (0.000062%); highest among the groups gnomAD compares: South Asian, 0.0011%; no homozygotes.

Submissions (2):

Ambry Genetics
Classification: Uncertain significance for Hereditary cancer-predisposing syndrome. Last evaluated: 2026-04-16. Review status: criteria provided, single submitter. Criteria: Ambry Variant Classification Scheme 2023. Collection method: clinical testing. Allele origin: germline.
Comment: The p.S2652A variant (also known as c.7954T>G), located in coding exon 15 of the APC gene, results from a T to G substitution at nucleotide position 7954. The serine at codon 2652 is replaced by alanine, an amino acid with similar properties. This amino acid position is conserved. In addition, in silico predictors for this gene do not accurately predict pathogenicity. Based on the available evidence, the clinical significance of this variant remains unclear.

Labcorp Genetics (formerly Invitae), Labcorp
Classification: Uncertain significance for Familial adenomatous polyposis 1. Last evaluated: 2020-06-02. Review status: criteria provided, single submitter. Criteria: Invitae Variant Classification Sherloc (09022015). Collection method: clinical testing. Allele origin: germline.
Comment: In summary, the available evidence is currently insufficient to determine the role of this variant in disease. Therefore, it has been classified as a Variant of Uncertain Significance. Algorithms developed to predict the effect of missense changes on protein structure and function are either unavailable or do not agree on the potential impact of this missense change (SIFT: "Tolerated"; PolyPhen-2: "Probably Damaging"; Align-GVGD: "Class C0"). This variant has not been reported in the literature in individuals with APC-related conditions. This variant is not present in population databases (ExAC no frequency). This sequence change replaces serine with alanine at codon 2652 of the APC protein (p.Ser2652Ala). The serine residue is highly conserved and there is a moderate physicochemical difference between serine and alanine.

NM_000038.6(APC):c.7954T>G (p.Ser2652Ala)

Gene: APC (APC regulator of Wnt signaling pathway; plus strand). Cytogenetic location: 5q22.2.
Variant type: single nucleotide variant.
Coding change: c.7954T>G on transcript NM_000038.6 (MANE Select); coding-DNA position 7954, T replaced by G.
Protein change: p.Ser2652Ala; replaces serine 2652 with alanine.
Molecular consequence: missense variant.
Genome position (GRCh38, 1-based): chr5:112,843,548, T>G. VCF-style: chr5-112843548-T-G. GRCh37 (hg19) VCF-style: chr5-112179245-T-G.
Other names: c.7954T>G (NM_000038.5); c.7879T>G, p.Ser2627Ala (NM_001354898.2); c.7870T>G, p.Ser2624Ala (NM_001354899.2); c.7831T>G, p.Ser2611Ala (NM_001354900.2); c.7777T>G, p.Ser2593Ala (NM_001354901.2); c.7681T>G, p.Ser2561Ala (NM_001354902.2); c.7651T>G, p.Ser2551Ala (NM_001354903.2); c.7576T>G, p.Ser2526Ala (NM_001354904.2); and 6 more; short protein forms S2369A, S2492A, S2526A, S2551A, S2561A, S2593A, S2611A, S2624A.
Identifiers: ClinVar variation 1003325 (VCV001003325.11), dbSNP rs1766609894, ClinGen allele CA16038604.